The following is an entry in ClinVar:

NM_001876.4(CPT1A):c.601C>T (p.Arg201Trp)

Gene: CPT1A (carnitine palmitoyltransferase 1A; minus strand). Cytogenetic location: 11q13.3.
Variant type: single nucleotide variant.
Coding change: c.601C>T on transcript NM_001876.4 (MANE Select); coding-DNA position 601, C replaced by T.
Protein change: p.Arg201Trp; replaces arginine 201 with tryptophan.
Molecular consequence: missense variant.
Genome position (GRCh38, 1-based): chr11:68,799,310, G>A on the plus strand (C>T on the coding strand, the complement: CPT1A is on the minus strand). VCF-style: chr11-68799310-G-A. GRCh37 (hg19) VCF-style: chr11-68566778-G-A.
Other names: c.601C>T, p.Arg201Trp (NM_001031847.3); short protein forms R201W.
Identifiers: ClinVar variation 1046460 (VCV001046460.6), dbSNP rs373344573, ClinGen allele CA6152613.

ClinVar aggregate classification (germline): Uncertain significance. Review status: criteria provided, single submitter (1 of 4 stars). 2 submissions from 2 submitters: Uncertain significance (1). 1 of the submissions does not count toward it. Last evaluated 2021-10-29.

Conditions:
Carnitine palmitoyl transferase 1A deficiency. Also called: Carnitine palmitoyltransferase 1A deficiency; CPT I DEFICIENCY; CPT DEFICIENCY, HEPATIC, TYPE I; Carnitine palmitoyltransferase type I deficiency; CPT deficiency, hepatic, type IA. Identifiers: Orphanet 156, MedGen C1829703, MONDO:0009705, OMIM 255120.

Allele frequency attached by ClinVar (database versions not stated): TOPMed 0.00001; gnomAD 0.00003 and 0.00005; gnomAD exomes 0.00005 and 0.00014; 1000 Genomes Project 30x 0.00016; ExAC 0.00017; 1000 Genomes Project 0.00020.
gnomAD v4.1: 88 of 1,613,896 alleles (0.0055%); highest among the groups gnomAD compares: South Asian, 0.085%; no homozygotes.

Submissions (2):

Labcorp Genetics (formerly Invitae), Labcorp
Classification: Uncertain significance for Carnitine palmitoyl transferase 1A deficiency. Last evaluated: 2021-10-29. Review status: criteria provided, single submitter. Criteria: Invitae Variant Classification Sherloc (09022015). Collection method: clinical testing. Allele origin: germline.
Comment: This sequence change replaces arginine, which is basic and polar, with tryptophan, which is neutral and slightly polar, at codon 201 of the CPT1A protein (p.Arg201Trp). This variant is present in population databases (rs373344573, gnomAD 0.1%). This variant has not been reported in the literature in individuals affected with CPT1A-related conditions. ClinVar contains an entry for this variant (Variation ID: 1046460). Algorithms developed to predict the effect of missense changes on protein structure and function are either unavailable or do not agree on the potential impact of this missense change (SIFT: "Deleterious"; PolyPhen-2: "Benign"; Align-GVGD: "Class C25"). In summary, the available evidence is currently insufficient to determine the role of this variant in disease. Therefore, it has been classified as a Variant of Uncertain Significance.

Natera, Inc.
Classification: Uncertain significance for Carnitine palmitoyltransferase type I deficiency. Last evaluated: 2020-01-24. Review status: no assertion criteria provided. Collection method: clinical testing. Allele origin: germline. Not counted in ClinVar's aggregate classification.